The following is an entry in ClinVar:

ClinVar aggregate classification (germline): Uncertain significance (1 of 4 stars; one submission).

Conditions:
Cardiomyopathy (CMYO). Also called: Cardiomyopathies. Identifiers: Orphanet 167848, MedGen C0878544, MONDO:0004994, HP:0001638. Inheritance: Various modes of inheritance.

Allele frequency attached by ClinVar (database versions not stated): gnomAD exomes below 0.00001; ExAC 0.00001.
gnomAD v4.1: 1 of 1,614,220 alleles (0.000062%); highest among the groups gnomAD compares: South Asian, 0.0011%; no homozygotes.

Submission:

Color Diagnostics, LLC DBA Color Health
Classification: Uncertain significance for Cardiomyopathy. Last evaluated: 2024-03-06. Review status: criteria provided, single submitter. Criteria: ACMG Guidelines, 2015. Collection method: clinical testing. Allele origin: germline.
Comment: This missense variant replaces glycine with alanine at codon 96 of the DSP protein. Computational prediction suggests that this variant may not impact protein structure and function (internally defined REVEL score threshold <= 0.5, PMID: 27666373). Splice site prediction tools suggest that this variant may not impact RNA splicing. To our knowledge, functional studies have not been performed for this variant. This variant has not been reported in individuals affected with cardiovascular disorders in the literature. This variant has not been identified in the general population by the Genome Aggregation Database (gnomAD). The available evidence is insufficient to determine the role of this variant in disease conclusively. Therefore, this variant is classified as a Variant of Uncertain Significance.

NM_004415.4(DSP):c.287G>C (p.Gly96Ala)

Gene: DSP (desmoplakin; plus strand). Cytogenetic location: 6p24.3.
Variant type: single nucleotide variant.
Coding change: c.287G>C on transcript NM_004415.4 (MANE Select); coding-DNA position 287, G replaced by C.
Protein change: p.Gly96Ala; replaces glycine 96 with alanine.
Molecular consequence: missense variant.
Genome position (GRCh38, 1-based): chr6:7,558,129, G>C. VCF-style: chr6-7558129-G-C. GRCh37 (hg19) VCF-style: chr6-7558362-G-C.
Other names: c.287G>C, p.Gly96Ala (NM_001008844.3, NM_001319034.2); short protein forms G96A.
Identifiers: ClinVar variation 919244 (VCV000919244.4), dbSNP rs748070943, ClinGen allele CA036057.